The following is an entry in ClinVar:

ClinVar aggregate classification (germline): Conflicting classifications of pathogenicity. Review status: criteria provided, conflicting classifications (1 of 4 stars). 3 submissions from 3 submitters: Likely pathogenic (2); Uncertain significance (1). Last evaluated 2026-01-26.

Conditions:
Developmental and epileptic encephalopathy, 31A. Also called: Epileptic encephalopathy, early infantile, 31; Developmental and epileptic encephalopathy, 31. Identifiers: Orphanet 2382, MedGen C4225357, MONDO:0014598, OMIM 616346.

Submissions (3):

Medical and Scientific Branch, Hong Kong Genome Institute
Classification: Likely pathogenic for Developmental and epileptic encephalopathy, 31A. Last evaluated: 2026-01-26. Review status: criteria provided, single submitter. Criteria: ACMG Guidelines, 2015. Collection method: clinical testing. Allele origin: de novo. Affected: yes.

Mendelics
Classification: Uncertain significance for Developmental and epileptic encephalopathy, 31A. Last evaluated: 2019-05-28. Review status: criteria provided, single submitter. Criteria: Mendelics Assertion Criteria 2017. Collection method: clinical testing. Allele origin: unknown.

GeneDx
Classification: Likely pathogenic. Last evaluated: 2016-06-20. Review status: criteria provided, single submitter. Criteria: GeneDx Variant Classification (06012015). Collection method: clinical testing. Allele origin: germline. Affected: yes.
Comment: The G38S variant in the DNM1 gene has not been reported previously as a pathogenic variant, nor as a benign variant, to our knowledge. The G38S variant was not observed in approximately 6400 individuals of European and African American ancestry in the NHLBI Exome Sequencing Project, indicating it is not a common benign variant in these populations. The G38S variant is a non-conservative amino acid substitution, which is likely to impact secondary protein structure as these residues differ in polarity, charge, size and/or other properties. This substitution occurs at a position that is conserved across species, and in silico analysis predicts this variant is probably damaging to the protein structure/function. The G38S variant is a strong candidate for a pathogenic variant

NM_004408.4(DNM1):c.112G>A (p.Gly38Ser)

Genes: CIZ1 (CDKN1A interacting zinc finger protein 1; minus strand), DNM1 (dynamin 1; plus strand). Cytogenetic location: 9q34.11.
Variant type: single nucleotide variant.
Coding change: c.112G>A on transcript NM_004408.4 (MANE Select); coding-DNA position 112, G replaced by A.
Protein change: p.Gly38Ser; replaces glycine 38 with serine.
Molecular consequence: missense variant. On other transcripts: intron variant (2).
Genome position (GRCh38, 1-based): chr9:128,203,582, G>A. VCF-style: chr9-128203582-G-A. GRCh37 (hg19) VCF-style: chr9-130965861-G-A.
Other names: c.-6+604C>T (NM_012127.3, NM_001131015.2); c.112G>A, p.Gly38Ser (NM_001005336.3, NM_001288737.2, NM_001288738.2 and 2 more transcripts); short protein forms G38S.
Identifiers: ClinVar variation 430561 (VCV000430561.5), dbSNP rs1131692025, ClinGen allele CA375006653.